The following is an entry in ClinVar:

NM_003482.4(KMT2D):c.14865C>G (p.Ser4955=)

Gene: KMT2D (lysine methyltransferase 2D; minus strand). Cytogenetic location: 12q13.12.
Variant type: single nucleotide variant.
Coding change: c.14865C>G on transcript NM_003482.4 (MANE Select); coding-DNA position 14865, C replaced by G.
Protein change: p.Ser4955=; no amino-acid change (serine 4955 retained).
Molecular consequence: synonymous variant.
Genome position (GRCh38, 1-based): chr12:49,027,101, G>C on the plus strand (C>G on the coding strand, the complement: KMT2D is on the minus strand). VCF-style: chr12-49027101-G-C. GRCh37 (hg19) VCF-style: chr12-49420884-G-C.
Identifiers: ClinVar variation 2151740 (VCV002151740.6), dbSNP rs761379287, ClinGen allele CA6545649.

ClinVar aggregate classification (germline): Benign. Review status: criteria provided, single submitter (1 of 4 stars). 2 submissions from 2 submitters: Benign (1). 1 of the submissions does not count toward it. Last evaluated 2024-07-01.

Conditions:
Kabuki syndrome. Also called: NIIKAWA-KUROKI SYNDROME; Kabuki make-up syndrome. Identifiers: Orphanet 2322, MedGen C0796004, MONDO:0016512.
KMT2D-related disorder. Also called: KMT2D-Related Disorders.

Allele frequency attached by ClinVar (database versions not stated): gnomAD 0.00002; ExAC 0.00004.
gnomAD v4.1: 26 of 1,606,490 alleles (0.0016%); highest among the groups gnomAD compares: East Asian, 0.058%; no homozygotes.

Submissions (2):

Labcorp Genetics (formerly Invitae), Labcorp
Classification: Benign for Kabuki syndrome. Last evaluated: 2024-07-01. Review status: criteria provided, single submitter. Criteria: Invitae Variant Classification Sherloc (09022015). Collection method: clinical testing. Allele origin: germline.

PreventionGenetics, part of Exact Sciences
Classification: Likely benign for KMT2D-related condition. Last evaluated: 2021-05-12. Review status: no assertion criteria provided. Collection method: clinical testing. Allele origin: germline. Not counted in ClinVar's aggregate classification.
Comment: This variant is classified as likely benign based on ACMG/AMP sequence variant interpretation guidelines (Richards et al. 2015 PMID: 25741868, with internal and published modifications).